The following is an entry in ClinVar:

NM_001365999.1(SZT2):c.2807C>T (p.Pro936Leu)

Gene: SZT2 (SZT2 subunit of KICSTOR complex; plus strand). Cytogenetic location: 1p34.2.
Variant type: single nucleotide variant.
Coding change: c.2807C>T on transcript NM_001365999.1 (MANE Select); coding-DNA position 2807, C replaced by T.
Protein change: p.Pro936Leu; replaces proline 936 with leucine.
Molecular consequence: missense variant.
Genome position (GRCh38, 1-based): chr1:43,425,635, C>T. VCF-style: chr1-43425635-C-T. GRCh37 (hg19) VCF-style: chr1-43891306-C-T.
Other names: c.2807C>T, p.Pro936Leu (NM_015284.4); short protein forms P936L.
Identifiers: ClinVar variation 1796275 (VCV001796275.4), dbSNP rs756184903, ClinGen allele CA808801.

ClinVar aggregate classification (germline): Uncertain significance. Review status: criteria provided, multiple submitters, no conflicts (2 of 4 stars). 2 submissions from 2 submitters: Uncertain significance (2). Last evaluated 2024-04-17.

Conditions:
Inborn genetic diseases. Identifiers: MedGen C0950123, MeSH D030342.

Allele frequency attached by ClinVar (database versions not stated): TOPMed below 0.00001; ExAC 0.00002.
gnomAD v4.1: 9 of 1,613,862 alleles (0.00056%); highest among the groups gnomAD compares: African/African-American, 0.0013%; no homozygotes.

Submissions (2):

Ambry Genetics
Classification: Uncertain significance for Inborn genetic diseases. Last evaluated: 2024-04-17. Review status: criteria provided, single submitter. Criteria: Ambry Variant Classification Scheme 2023. Collection method: clinical testing. Allele origin: germline.

Labcorp Genetics (formerly Invitae), Labcorp
Classification: Uncertain significance. Last evaluated: 2023-05-31. Review status: criteria provided, single submitter. Criteria: Invitae Variant Classification Sherloc (09022015). Collection method: clinical testing. Allele origin: germline.
Comment: In summary, the available evidence is currently insufficient to determine the role of this variant in disease. Therefore, it has been classified as a Variant of Uncertain Significance. Advanced modeling of protein sequence and biophysical properties (such as structural, functional, and spatial information, amino acid conservation, physicochemical variation, residue mobility, and thermodynamic stability) performed at Invitae indicates that this missense variant is expected to disrupt SZT2 protein function. ClinVar contains an entry for this variant (Variation ID: 1796275). This variant has not been reported in the literature in individuals affected with SZT2-related conditions. This variant is present in population databases (rs756184903, gnomAD 0.007%). This sequence change replaces proline, which is neutral and non-polar, with leucine, which is neutral and non-polar, at codon 936 of the SZT2 protein (p.Pro936Leu).